The following is an entry in ClinVar:

ClinVar aggregate classification (germline): Uncertain significance (1 of 4 stars; one submission).

gnomAD v4.1: 1 of 1,614,104 alleles (0.000062%); highest among the groups gnomAD compares: Non-Finnish European, 0.000085%; no homozygotes.

Submission:

Labcorp Genetics (formerly Invitae), Labcorp
Classification: Uncertain significance. Last evaluated: 2024-07-02. Review status: criteria provided, single submitter. Criteria: Invitae Variant Classification Sherloc (09022015). Collection method: clinical testing. Allele origin: germline.
Comment: This sequence change replaces leucine, which is neutral and non-polar, with isoleucine, which is neutral and non-polar, at codon 186 of the TNFAIP3 protein (p.Leu186Ile). This variant is not present in population databases (gnomAD no frequency). This variant has not been reported in the literature in individuals affected with TNFAIP3-related conditions. Advanced modeling of protein sequence and biophysical properties (such as structural, functional, and spatial information, amino acid conservation, physicochemical variation, residue mobility, and thermodynamic stability) performed at Invitae indicates that this missense variant is expected to disrupt TNFAIP3 protein function with a positive predictive value of 80%. In summary, the available evidence is currently insufficient to determine the role of this variant in disease. Therefore, it has been classified as a Variant of Uncertain Significance.

NM_001270508.2(TNFAIP3):c.556C>A (p.Leu186Ile)

Genes: TNFAIP3 (TNF alpha induced protein 3; plus strand), LOC126859807 (MED14-independent group 3 enhancer GRCh37_chr6:138196296-138197495; plus strand). Cytogenetic location: 6q23.3.
Variant type: single nucleotide variant.
Coding change: c.556C>A on transcript NM_001270508.2 (MANE Select); coding-DNA position 556, C replaced by A.
Protein change: p.Leu186Ile; replaces leucine 186 with isoleucine.
Molecular consequence: missense variant.
Genome position (GRCh38, 1-based): chr6:137,875,757, C>A. VCF-style: chr6-137875757-C-A. GRCh37 (hg19) VCF-style: chr6-138196894-C-A.
Other names: c.556C>A, p.Leu186Ile (NM_001270507.2, NM_006290.4); short protein forms L186I.
Identifiers: ClinVar variation 3683093 (VCV003683093.2).